The following is an entry in ClinVar:

NM_005585.5(SMAD6):c.1294C>G (p.Pro432Ala)

Gene: SMAD6 (SMAD family member 6; plus strand). Cytogenetic location: 15q22.31.
Variant type: single nucleotide variant.
Coding change: c.1294C>G on transcript NM_005585.5 (MANE Select); coding-DNA position 1294, C replaced by G.
Protein change: p.Pro432Ala; replaces proline 432 with alanine.
Molecular consequence: missense variant. On other transcripts: non-coding transcript variant (1).
Genome position (GRCh38, 1-based): chr15:66,781,338, C>G. VCF-style: chr15-66781338-C-G. GRCh37 (hg19) VCF-style: chr15-67073676-C-G.
Other names: short protein forms P432A.
Identifiers: ClinVar variation 471748 (VCV000471748.10), dbSNP rs758115595, ClinGen allele CA7626780.

ClinVar aggregate classification (germline): Uncertain significance. Review status: criteria provided, multiple submitters, no conflicts (2 of 4 stars). 2 submissions from 2 submitters: Uncertain significance (2). Last evaluated 2025-02-19.

Conditions:
Inborn genetic diseases. Identifiers: MedGen C0950123, MeSH D030342.
Aortic valve disease 2 (AOVD2). Identifiers: MedGen C3542024, MONDO:0013902, OMIM 614823.

Allele frequency attached by ClinVar (database versions not stated): gnomAD exomes below 0.00001; ExAC 0.00001; gnomAD 0.00001; TOPMed 0.00002.
gnomAD v4.1: 5 of 1,598,890 alleles (0.00031%); highest among the groups gnomAD compares: Non-Finnish European, 0.00043%; no homozygotes.

Submissions (2):

Labcorp Genetics (formerly Invitae), Labcorp
Classification: Uncertain significance for Aortic valve disease 2. Last evaluated: 2025-02-19. Review status: criteria provided, single submitter. Criteria: Invitae Variant Classification Sherloc (09022015). Collection method: clinical testing. Allele origin: germline.
Comment: This sequence change replaces proline, which is neutral and non-polar, with alanine, which is neutral and non-polar, at codon 432 of the SMAD6 protein (p.Pro432Ala). This variant is present in population databases (rs758115595, gnomAD 0.001%). This variant has not been reported in the literature in individuals affected with SMAD6-related conditions. ClinVar contains an entry for this variant (Variation ID: 471748). Invitae Evidence Modeling of protein sequence and biophysical properties (such as structural, functional, and spatial information, amino acid conservation, physicochemical variation, residue mobility, and thermodynamic stability) indicates that this missense variant is not expected to disrupt SMAD6 protein function with a negative predictive value of 80%. In summary, the available evidence is currently insufficient to determine the role of this variant in disease. Therefore, it has been classified as a Variant of Uncertain Significance.

Ambry Genetics
Classification: Uncertain significance for Inborn genetic diseases. Last evaluated: 2024-12-12. Review status: criteria provided, single submitter. Criteria: Ambry Variant Classification Scheme 2023. Collection method: clinical testing. Allele origin: germline.